The following is an entry in ClinVar:

ClinVar aggregate classification (germline): Uncertain significance (1 of 4 stars; one submission).

Conditions:
Familial acute necrotizing encephalopathy (IIAE3). Also called: ENCEPHALOPATHY, ACUTE, INFECTION-INDUCED, SUSCEPTIBILITY TO, 3; Susceptibility to Acute Necrotizing Encephalopathy 1. Identifiers: Orphanet 88619, MedGen C2675556, MONDO:0011953, OMIM 608033.

Submission:

Labcorp Genetics (formerly Invitae), Labcorp
Classification: Uncertain significance for Familial acute necrotizing encephalopathy. Last evaluated: 2020-10-29. Review status: criteria provided, single submitter. Criteria: Invitae Variant Classification Sherloc (09022015). Collection method: clinical testing. Allele origin: germline.
Comment: This sequence change creates a premature translational stop signal (p.Asp1965Argfs*21) in the RANBP2 gene. It is expected to result in an absent or disrupted protein product. However, the current clinical and genetic evidence is not sufficient to establish whether loss-of-function variants in RANBP2 cause disease. This variant is not present in population databases (ExAC no frequency). This variant has not been reported in the literature in individuals with RANBP2-related conditions. In summary, the available evidence is currently insufficient to determine the role of this variant in disease. Therefore, it has been classified as a Variant of Uncertain Significance.

NM_006267.5(RANBP2):c.5892dup (p.Asp1965fs)

Gene: RANBP2 (RAN binding protein 2; plus strand). Cytogenetic location: 2q13.
Variant type: Duplication.
Coding change: c.5892dup on transcript NM_006267.5 (MANE Select); coding-DNA position 5892, one base duplicated (A; older notation c.5892dupA).
Protein change: p.Asp1965fs; shifts the reading frame from aspartic acid 1965.
Molecular consequence: frameshift variant.
Genome position (GRCh38, 1-based): chr2:108,766,431, A duplicated; the last of 6 consecutive A bases (chr2:108,766,426-108,766,431); duplicating any one gives the same sequence. VCF-style (leftmost placement, unchanged base first): chr2-108766425-C-CA. GRCh37 (hg19) VCF-style: chr2-109382881-C-CA.
Other names: short protein forms D1965fs.
Identifiers: ClinVar variation 1490272 (VCV001490272.1), dbSNP rs772295809, ClinGen allele CA2573133011.
Genomic context (GRCh38, chr2:108,766,425, plus strand): 5'-TAGCACTTTTACATTTGCAGATCTTGCAAAATCAACTTCAGGAGAAGGATTTCAGTTTGG[C>CA]AAAAAAGACCCCAATTTCAAGGGATTTTCAGGTGCTGGAGAAAAATTATTCTCATCACAA-3'